The following is an entry in ClinVar:

NM_002890.3(RASA1):c.2616T>C (p.Tyr872=)

Genes: CCNH (cyclin H; minus strand), RASA1 (RAS p21 protein activator 1; plus strand). Cytogenetic location: 5q14.3.
Variant type: single nucleotide variant.
Coding change: c.2616T>C on transcript NM_002890.3 (MANE Select); coding-DNA position 2616, T replaced by C.
Protein change: p.Tyr872=; no amino-acid change (tyrosine 872 retained).
Molecular consequence: synonymous variant. On other transcripts: intron variant (1).
Genome position (GRCh38, 1-based): chr5:87,380,521, T>C. VCF-style: chr5-87380521-T-C. GRCh37 (hg19) VCF-style: chr5-86676338-T-C.
Other names: c.2085T>C, p.Tyr695= (NM_022650.3); c.933+14523A>G (NM_001364075.2).
Identifiers: ClinVar variation 1979327 (VCV001979327.3), dbSNP rs1471604207, ClinGen allele CA445200367.

ClinVar aggregate classification (germline): Uncertain significance (1 of 4 stars; one submission).

Conditions:
Capillary malformation-arteriovenous malformation syndrome. Also called: Capillary malformation-arteriovenous malformation. Identifiers: Orphanet 137667, MedGen C1842180, MONDO:0012016.

Allele frequency attached by ClinVar (database versions not stated): TOPMed below 0.00001; gnomAD exomes 0.00001.
gnomAD v4.1: 7 of 1,612,772 alleles (0.00043%); highest among the groups gnomAD compares: East Asian, 0.0022%; no homozygotes.

Submission:

Labcorp Genetics (formerly Invitae), Labcorp
Classification: Uncertain significance for Capillary malformation-arteriovenous malformation syndrome. Last evaluated: 2022-06-08. Review status: criteria provided, single submitter. Criteria: Invitae Variant Classification Sherloc (09022015). Collection method: clinical testing. Allele origin: germline.
Comment: In summary, the available evidence is currently insufficient to determine the role of this variant in disease. Therefore, it has been classified as a Variant of Uncertain Significance. Algorithms developed to predict the effect of sequence changes on RNA splicing suggest that this variant may create or strengthen a splice site. This variant has not been reported in the literature in individuals affected with RASA1-related conditions. This variant is present in population databases (no rsID available, gnomAD 0.007%). This sequence change affects codon 872 of the RASA1 mRNA. It is a 'silent' change, meaning that it does not change the encoded amino acid sequence of the RASA1 protein.